The following is an entry in ClinVar:

ClinVar aggregate classification (germline): Likely benign. Review status: criteria provided, multiple submitters, no conflicts (2 of 4 stars). 2 submissions from 2 submitters: Likely benign (2). Last evaluated 2024-10-09.

Conditions:
BMP1-related disorder. Also called: BMP1-related condition.

Allele frequency attached by ClinVar (database versions not stated): ExAC 0.00001; TOPMed 0.00002; gnomAD exomes 0.00005.
gnomAD v4.1: 43 of 1,613,664 alleles (0.0027%); highest among the groups gnomAD compares: Non-Finnish European, 0.0036%; no homozygotes.

Submissions (2):

PreventionGenetics, part of Exact Sciences
Classification: Likely benign for BMP1-related condition. Last evaluated: 2024-10-09. Review status: criteria provided, single submitter. Criteria: ACMG Guidelines, 2015. Collection method: clinical testing. Allele origin: germline.
Comment: This variant is classified as likely benign based on ACMG/AMP sequence variant interpretation guidelines (Richards et al. 2015 PMID: 25741868, with internal and published modifications).

Labcorp Genetics (formerly Invitae), Labcorp
Classification: Likely benign. Last evaluated: 2024-03-03. Review status: criteria provided, single submitter. Criteria: Invitae Variant Classification Sherloc (09022015). Collection method: clinical testing. Allele origin: germline.

NM_006129.5(BMP1):c.777C>G (p.Ser259=)

Gene: BMP1 (bone morphogenetic protein 1; plus strand). Cytogenetic location: 8p21.3.
Variant type: single nucleotide variant.
Coding change: c.777C>G on transcript NM_006129.5 (MANE Select); coding-DNA position 777, C replaced by G.
Protein change: p.Ser259=; no amino-acid change (serine 259 retained).
Molecular consequence: synonymous variant. On other transcripts: non-coding transcript variant (2).
Genome position (GRCh38, 1-based): chr8:22,177,898, C>G. VCF-style: chr8-22177898-C-G. GRCh37 (hg19) VCF-style: chr8-22035411-C-G.
Other names: c.777C>G (NM_006129.4); c.777C>G, p.Ser259= (NM_001199.4).
Identifiers: ClinVar variation 2730563 (VCV002730563.4), dbSNP rs756682570, ClinGen allele CA4664423.